The following is an entry in ClinVar:

ClinVar aggregate classification (germline): Conflicting classifications of pathogenicity. Review status: criteria provided, conflicting classifications (1 of 4 stars). 5 submissions from 5 submitters: Uncertain significance (4); Likely benign (1). Last evaluated 2025-09-01.

Conditions:
RECON progeroid syndrome (RECON). Identifiers: MedGen C5830504, MONDO:0957266, OMIM 620370.

Allele frequency attached by ClinVar (database versions not stated): gnomAD exomes 0.00003; ExAC 0.00004; TOPMed 0.00004; gnomAD 0.00006.
gnomAD v4.1: 58 of 1,593,672 alleles (0.0036%); highest among the groups gnomAD compares: African/African-American, 0.0068%; no homozygotes.

Submissions (5):

Labcorp Genetics (formerly Invitae), Labcorp
Classification: Uncertain significance. Last evaluated: 2025-09-01. Review status: criteria provided, single submitter. Criteria: Invitae Variant Classification Sherloc (09022015). Collection method: clinical testing. Allele origin: germline.
Comment: This sequence change replaces valine, which is neutral and non-polar, with isoleucine, which is neutral and non-polar, at codon 4 of the RECQL protein (p.Val4Ile). This variant is present in population databases (rs201737130, gnomAD 0.01%). This variant has not been reported in the literature in individuals affected with RECQL-related conditions. ClinVar contains an entry for this variant (Variation ID: 965436). An algorithm developed to predict the effect of missense changes on protein structure and function outputs the following: PolyPhen-2: "Benign". The isoleucine amino acid residue is found in multiple mammalian species, which suggests that this missense change does not adversely affect protein function. In summary, the available evidence is currently insufficient to determine the role of this variant in disease. Therefore, it has been classified as a Variant of Uncertain Significance.

Ambry Genetics
Classification: Likely benign. Last evaluated: 2025-04-29. Review status: criteria provided, single submitter. Criteria: Ambry Variant Classification Scheme 2023. Collection method: clinical testing. Allele origin: germline.

GeneDx
Classification: Uncertain significance. Last evaluated: 2025-03-20. Review status: criteria provided, single submitter. Criteria: GeneDx Variant Classification Process June 2021. Collection method: clinical testing. Allele origin: germline. Affected: yes.
Comment: In silico analysis indicates that this missense variant does not alter protein structure/function; Variants in candidate genes are classified as variants of uncertain significance in accordance with ACMG guidelines (PMID: 25741868); This variant is associated with the following publications: (PMID: 26455304, 27248010, 33471991)

Quest Diagnostics Nichols Institute San Juan Capistrano
Classification: Uncertain significance. Last evaluated: 2024-07-26. Review status: criteria provided, single submitter. Criteria: Quest Diagnostics criteria. Collection method: clinical testing. Allele origin: unknown.
Comment: The RECQL c.10G>A (p.Val4Ile) variant has been reported in the published literature in breast cancer cases as well as in reportedly healthy individuals in a large scale breast cancer association study (PMID: 33471991 (2021), see also LOVD). The frequency of this variant in the general population, 0.00012 (3/24442 chromosomes (Genome Aggregation Database)), is uninformative in the assessment of its pathogenicity. Analysis of this variant using bioinformatics tools for the prediction of the effect of amino acid changes on protein structure and function yielded predictions that this variant is benign. Based on the available information, we are unable to determine the clinical significance of this variant.

Fulgent Genetics
Classification: Uncertain significance for RECON progeroid syndrome. Last evaluated: 2024-03-01. Review status: criteria provided, single submitter. Criteria: ACMG Guidelines, 2015. Collection method: clinical testing. Allele origin: germline.

Literature cited by the submitters: PubMed 26455304 (cited by Quest Diagnostics Nichols Institute San Juan Capistrano); PubMed 33471991 (cited by Quest Diagnostics Nichols Institute San Juan Capistrano).

NM_002907.4(RECQL):c.10G>A (p.Val4Ile)

Gene: RECQL (RecQ like helicase; minus strand). Cytogenetic location: 12p12.1.
Variant type: single nucleotide variant.
Coding change: c.10G>A on transcript NM_002907.4 (MANE Select); coding-DNA position 10, G replaced by A.
Protein change: p.Val4Ile; replaces valine 4 with isoleucine.
Molecular consequence: missense variant.
Genome position (GRCh38, 1-based): chr12:21,499,561, C>T on the plus strand (G>A on the coding strand, the complement: RECQL is on the minus strand). VCF-style: chr12-21499561-C-T. GRCh37 (hg19) VCF-style: chr12-21652495-C-T.
Other names: c.10G>A, p.Val4Ile (NM_032941.3); short protein forms V4I.
Identifiers: ClinVar variation 965436 (VCV000965436.19), dbSNP rs201737130, ClinGen allele CA6479237.